The following is an entry in ClinVar:

NM_014795.4(ZEB2):c.89A>G (p.Asn30Ser)

Gene: ZEB2 (zinc finger E-box binding homeobox 2; minus strand). Cytogenetic location: 2q22.3.
Variant type: single nucleotide variant.
Coding change: c.89A>G on transcript NM_014795.4 (MANE Select); coding-DNA position 89, A replaced by G.
Protein change: p.Asn30Ser; replaces asparagine 30 with serine.
Molecular consequence: missense variant.
Genome position (GRCh38, 1-based): chr2:144,430,011, T>C on the plus strand (A>G on the coding strand, the complement: ZEB2 is on the minus strand). VCF-style: chr2-144430011-T-C. GRCh37 (hg19) VCF-style: chr2-145187578-T-C.
Other names: c.89A>G, p.Asn30Ser (NM_001171653.2); short protein forms N30S.
Identifiers: ClinVar variation 385230 (VCV000385230.1), dbSNP rs1057522155, ClinGen allele CA16603891.

ClinVar aggregate classification (germline): Likely benign (1 of 4 stars; one submission).

Allele frequency attached by ClinVar (database versions not stated): gnomAD exomes below 0.00001.
gnomAD v4.1: 2 of 1,613,462 alleles (0.00012%); highest among the groups gnomAD compares: Non-Finnish European, 0.00017%; no homozygotes.

Submission:

GeneDx
Classification: Likely benign. Last evaluated: 2016-07-05. Review status: criteria provided, single submitter. Criteria: GeneDx Variant Classification (06012015). Collection method: clinical testing. Allele origin: germline. Affected: yes.
Comment: This variant is considered likely benign or benign based on one or more of the following criteria: it is a conservative change, it occurs at a poorly conserved position in the protein, it is predicted to be benign by multiple in silico algorithms, and/or has population frequency not consistent with disease.